The following is an entry in ClinVar:

ClinVar aggregate classification (germline): Uncertain significance (1 of 4 stars; one submission).

Conditions:
BSN-related disorder. Also called: BSN-related condition.

Submission:

PreventionGenetics, part of Exact Sciences
Classification: Uncertain significance for BSN-related condition. Last evaluated: 2026-02-04. Review status: criteria provided, single submitter. Criteria: ACMG Guidelines, 2015. Collection method: clinical testing. Allele origin: germline.
Comment: The BSN c.9929G>A variant is predicted to result in the amino acid substitution p.Ser3310Asn. To our knowledge, this variant has not been reported in the literature or in a large population database (gnomAD), indicating this variant is rare. At this time, the clinical significance of this variant is uncertain due to the absence of conclusive functional and genetic evidence.

NM_003458.4(BSN):c.9929G>A (p.Ser3310Asn)

Gene: BSN (bassoon presynaptic cytomatrix protein; plus strand). Cytogenetic location: 3p21.31.
Variant type: single nucleotide variant.
Coding change: c.9929G>A on transcript NM_003458.4 (MANE Select); coding-DNA position 9929, G replaced by A.
Protein change: p.Ser3310Asn; replaces serine 3310 with asparagine.
Molecular consequence: missense variant.
Genome position (GRCh38, 1-based): chr3:49,661,774, G>A. VCF-style: chr3-49661774-G-A. GRCh37 (hg19) VCF-style: chr3-49699207-G-A.
Other names: short protein forms S3310N.
Identifiers: ClinVar variation 4995459 (VCV004995459.1).
Genomic context (GRCh38, chr3:49,661,774, plus strand): 5'-AATCTGAGGAGGACTCATACGATCCCCGCGGGAAGGGTGGCCACCTCCGGAGCATGGAGA[G>A]CAATGGTCGACCAGCCAGTACCCACTACTATGGTGACAGTGACTACAGGCATGGGGCTCG-3'
Protein context (NP_003449.2, residues 3300-3320): GKGGHLRSME[Ser3310Asn]NGRPASTHYY